The following is an entry in ClinVar:

ClinVar aggregate classification (germline): Likely pathogenic (1 of 4 stars; one submission).

Conditions:
UNC79-related neurodevelopmental disorder.

Submission:

3billion
Classification: Likely pathogenic for UNC79-related neurodevelopmental disorder. Last evaluated: 2025-01-20. Review status: criteria provided, single submitter. Criteria: ACMG Guidelines, 2015. Collection method: clinical testing. Allele origin: germline. Affected: yes.
Comment: The variant is not observed in the gnomAD v4.1.0 dataset. Predicted Consequence/Location: Canonical splice site: predicted to alter splicing and result in a loss or disruption of normal protein function. Multiple pathogenic loss-of-function variants are reported downstream of the variant. In silico tools predict the variant to alter splicing and produce an abnormal transcript [SpliceAI: 0.98 (spliceogenicity >=0.2, non-spliceogenicity <0.1)]. Therefore, this variant is classified as Likely pathogenic according to the recommendation of ACMG/AMP guideline.

NM_001395159.1(UNC79):c.4107+1del

Gene: UNC79 (unc-79 subunit of NALCN channel complex; plus strand). Cytogenetic location: 14q32.12.
Variant type: Deletion.
Coding change: c.4107+1del on transcript NM_001395159.1 (MANE Select); the canonical splice donor site of the intron after coding-DNA position 4107, one base deleted (G; older notation c.4107+1delG).
Molecular consequence: splice donor variant.
Genome position (GRCh38, 1-based): chr14:93,613,084, G deleted. VCF-style (leftmost placement, unchanged base first): chr14-93613083-AG-A. GRCh37 (hg19) VCF-style: chr14-94079429-AG-A.
Other names: c.3510+1del (NM_020818.5); c.4041+1del (NM_001346218.2).
Identifiers: ClinVar variation 4292289 (VCV004292289.1).